The following is an entry in ClinVar:

NM_000055.4(BCHE):c.1240C>T (p.Arg414Cys)

Gene: BCHE (butyrylcholinesterase; minus strand). Cytogenetic location: 3q26.1.
Variant type: single nucleotide variant.
Coding change: c.1240C>T on transcript NM_000055.4 (MANE Select); coding-DNA position 1240, C replaced by T.
Protein change: p.Arg414Cys; replaces arginine 414 with cysteine.
Molecular consequence: missense variant. On other transcripts: non-coding transcript variant (1).
Genome position (GRCh38, 1-based): chr3:165,829,794, G>A on the plus strand (C>T on the coding strand, the complement: BCHE is on the minus strand). VCF-style: chr3-165829794-G-A. GRCh37 (hg19) VCF-style: chr3-165547582-G-A.
Other names: c.1240C>T (NM_000055.3); short protein forms R414C.
Identifiers: ClinVar variation 551265 (VCV000551265.14), dbSNP rs745364489, ClinGen allele CA2692354.

ClinVar aggregate classification (germline): Pathogenic/Likely pathogenic. Review status: criteria provided, multiple submitters, no conflicts (2 of 4 stars). 6 submissions from 6 submitters: Pathogenic (3); Likely pathogenic (2). 1 of the submissions does not count toward it. Last evaluated 2025-07-22.

Conditions:
Deficiency of butyrylcholinesterase (BCHED). Also called: Deficiency of butyrylcholine esterase; BCHE, silent 1; Acholinesterasemia; Butyrylcholinesterase deficiency. Identifiers: Orphanet 132, MedGen C1283400, MONDO:0015270, OMIM 617936.
BCHE-related disorder. Also called: BCHE-related condition.

Allele frequency attached by ClinVar (database versions not stated): gnomAD 0.00001; gnomAD exomes 0.00002 and 0.00004; TOPMed 0.00002; ExAC 0.00003.
gnomAD v4.1: 29 of 1,613,564 alleles (0.0018%); highest among the groups gnomAD compares: Middle Eastern, 0.016%; no homozygotes.

Submissions (6):

Women's Health and Genetics/Laboratory Corporation of America, LabCorp
Classification: Pathogenic for Deficiency of butyrylcholinesterase. Last evaluated: 2025-07-22. Review status: criteria provided, single submitter. Criteria: LabCorp Variant Classification Summary - May 2015. Collection method: clinical testing. Allele origin: germline.
Comment: Variant summary: BCHE c.1240C>T (p.Arg414Cys) results in a non-conservative amino acid change located in the Carboxylesterase, type B (IPR002018) of the encoded protein sequence. Algorithms developed to predict the effect of missense changes on protein structure and function all suggest that this variant is likely to be disruptive. The variant allele was found at a frequency of 4e-05 in 250530 control chromosomes. This frequency is not significantly higher than estimated for a pathogenic variant in BCHE causing Deficiency Of Butyrylcholine Esterase (4e-05 vs 0.016), allowing no conclusion about variant significance. c.1240C>T has been reported in the literature in individuals affected with Deficiency Of Butyrylcholine Esterase (Zeng_2024, Whittington_2012, Yen_2003, On-Kei_2005). These data indicate that the variant may be associated with disease. At least one publication reports experimental evidence evaluating an impact on protein function demonstrates reduced enzyme activity in a homozygous patient (Whittington_2012) and in recombinant cells (Brazzolotto_2021). The following publications have been ascertained in the context of this evaluation (PMID: 33024248, 15563885, 22378569, 12881446, 39465744). ClinVar contains an entry for this variant (Variation ID: 551265). Based on the evidence outlined above, the variant was classified as pathogenic.

GeneDx
Classification: Likely pathogenic. Last evaluated: 2025-04-22. Review status: criteria provided, single submitter. Criteria: GeneDx Variant Classification Process June 2021. Collection method: clinical testing. Allele origin: germline. Affected: yes.
Comment: Published functional studies demonstrate a damaging effect as the p.(R414C) variant results in retention of the variant protein in the endoplasmic reticulum (PMID: 33024248); In silico analysis supports that this missense variant has a deleterious effect on protein structure/function; Also known as p.(Arg386Cys); This variant is associated with the following publications: (PMID: 33024248, 16434405, 22378569, 12881446, 15563885, 22493536)

Variantyx, Inc.
Classification: Likely pathogenic for Deficiency of butyrylcholinesterase. Last evaluated: 2025-03-24. Review status: criteria provided, single submitter. Criteria: Variantyx Assertion Criteria 2022. Collection method: clinical testing. Allele origin: paternal. Inheritance: Autosomal recessive inheritance.
Comment: This is a nonsynonymous variant in the BCHE gene (OMIM: 177400). Pathogenic variants in this gene have been associated with autosomal recessive butyrylcholinesterase deficiency. This variant has been identified in the homozygous or compound heterozygous state in at least two individuals from the published literature (PMID: 22378569, 33024248) (PM3). Functional studies have shown that this variant alters BCHE protein function (PMID: 33024248) (PS3_Moderate). Multiple computational algorithms predict a deleterious effect for this variant (REVEL score: 0.962) (PP3). This variant has a 0.0089% maximum allele frequency in non-founder control populations (PM2). Based on the current evidence, this variant is classified as likely pathogenic for autosomal recessive butyrylcholinesterase deficiency.

PreventionGenetics, part of Exact Sciences
Classification: Pathogenic for BCHE-related condition. Last evaluated: 2022-08-18. Review status: criteria provided, single submitter. Criteria: ACMG Guidelines, 2015. Collection method: clinical testing. Allele origin: germline.
Comment: The BCHE c.1240C>T variant is predicted to result in the amino acid substitution p.Arg414Cys. This variant (referred to as p.Arg386Cys in the literature) was previously reported, also in the homozygous state, in a patient who presented with post-succinylcholine paralysis and severely reduced butyrylcholinesterase enzyme activity (Whittington et al. 2012. PubMed ID: 22378569). In vitro analysis of recombinant variant protein suggested that the p.Arg414Cys change results in retention of the variant protein in the endoplasmic reticulum (Brazzolotto et al. 2020. PubMed ID: 33024248). Additionally, this variant was also identified in the heterozygous state in an individual who presented with prolonged post-succinylcholine apnea (Yen et al. 2003. PubMed ID: 12881446). Taken together, we classify the c.1240C>T variant as pathogenic.

Juno Genomics, Hangzhou Juno Genomics, Inc
Classification: Pathogenic for Deficiency of butyrylcholinesterase. Review status: criteria provided, single submitter. Criteria: ACMG Guidelines, 2015. Collection method: clinical testing. Allele origin: germline.
Comment: Absent from controls (or at extremely low frequency if recessive) in Genome Aggregation Database.;Well-established in vitro or in vivo functional studies supportive of a damaging effect on the gene or gene product.;For recessive disorders, detected in trans with a pathogenic variant.;Patient's phenotype or family history is highly specific for a disease with a single genetic etiology.

Counsyl
Classification: Likely pathogenic for Deficiency of butyrylcholinesterase. Last evaluated: 2017-03-28. Review status: no assertion criteria provided. Collection method: clinical testing. Allele origin: unknown. Not counted in ClinVar's aggregate classification.

Literature cited by the submitters: PubMed 12881446 (cited by Women's Health and Genetics/Laboratory Corporation of America, LabCorp and Counsyl); PubMed 33024248 (cited by Women's Health and Genetics/Laboratory Corporation of America, LabCorp and Variantyx, Inc.); PubMed 15563885 (cited by Women's Health and Genetics/Laboratory Corporation of America, LabCorp and Counsyl); PubMed 22378569 (cited by 3 submitters); PubMed 39465744 (cited by Women's Health and Genetics/Laboratory Corporation of America, LabCorp); PubMed 16434405 (cited by Counsyl).